The following is an entry in ClinVar:

ClinVar aggregate classification (germline): Likely benign. Review status: criteria provided, multiple submitters, no conflicts (2 of 4 stars). 2 submissions from 2 submitters: Likely benign (2). Last evaluated 2026-01-26.

Conditions:
TYK2-related disorder. Also called: TYK2-related condition.
Immunodeficiency 35 (IMD35). Also called: HIES WITH ATYPICAL MYCOBACTERIOSIS, AUTOSOMAL RECESSIVE; HYPER-IgE SYNDROME WITH ATYPICAL MYCOBACTERIOSIS, AUTOSOMAL RECESSIVE; Susceptibility to infection due to TYK2 deficiency; TYK2 DEFICIENCY. Identifiers: Orphanet 331226, MedGen C1969086, MONDO:0012682, OMIM 611521.

Allele frequency attached by ClinVar (database versions not stated): gnomAD exomes 0.00003 and 0.00021; gnomAD 0.00006 and 0.00009; TOPMed 0.00009; ExAC 0.00040; 1000 Genomes Project 0.00080; 1000 Genomes Project 30x 0.00094.
gnomAD v4.1: 63 of 1,494,640 alleles (0.0042%); highest among the groups gnomAD compares: East Asian, 0.11%; no homozygotes.

Submissions (2):

Labcorp Genetics (formerly Invitae), Labcorp
Classification: Likely benign for Immunodeficiency 35. Last evaluated: 2026-01-26. Review status: criteria provided, single submitter. Criteria: Invitae Variant Classification Sherloc (09022015). Collection method: clinical testing. Allele origin: germline.

PreventionGenetics, part of Exact Sciences
Classification: Likely benign for TYK2-related condition. Last evaluated: 2025-02-27. Review status: criteria provided, single submitter. Criteria: ACMG Guidelines, 2015. Collection method: clinical testing. Allele origin: germline.
Comment: This variant is classified as likely benign based on ACMG/AMP sequence variant interpretation guidelines (Richards et al. 2015 PMID: 25741868, with internal and published modifications).

NM_003331.5(TYK2):c.2977C>T (p.His993Tyr)

Gene: TYK2 (tyrosine kinase 2; minus strand). Cytogenetic location: 19p13.2.
Variant type: single nucleotide variant.
Coding change: c.2977C>T on transcript NM_003331.5 (MANE Select); coding-DNA position 2977, C replaced by T.
Protein change: p.His993Tyr; replaces histidine 993 with tyrosine.
Molecular consequence: missense variant.
Genome position (GRCh38, 1-based): chr19:10,353,578, G>A on the plus strand (C>T on the coding strand, the complement: TYK2 is on the minus strand). VCF-style: chr19-10353578-G-A. GRCh37 (hg19) VCF-style: chr19-10464254-G-A.
Other names: c.2893C>T, p.His965Tyr (NM_001385202.1); c.3058C>T, p.His1020Tyr (NM_001385203.1); c.3187C>T, p.His1063Tyr (NM_001385204.1); c.2887C>T, p.His963Tyr (NM_001385205.1); c.2851C>T, p.His951Tyr (NM_001385206.1); c.2959C>T, p.His987Tyr (NM_001385207.1); c.2977C>T (NM_003331.4); c.2977C>T, p.His993Tyr (NM_001385197.1, NM_001385198.1); and 3 more; short protein forms H1020Y, H1063Y, H927Y, H931Y, H951Y, H963Y, H965Y, H987Y.
Identifiers: ClinVar variation 1084879 (VCV001084879.10), dbSNP rs201397594, ClinGen allele CA9192855.
Genomic context (GRCh38, chr19:10,353,578, plus strand): 5'-GCCGACCAACCTCGCAGATCTGCTGGGCGAAGAGCAGCAGCTGGGCCAGCCCGATGCTGT[G>A]CCGGGGCAGGTAGTCTCGGAGGCTGCCCAGGGGCACGTACTCCATGACCAGCTGCAGCGA-3'
Protein context (NP_003322.3, residues 983-1003): LGSLRDYLPR[His993Tyr]SIGLAQLLLF